The following is an entry in ClinVar:

NM_005562.3(LAMC2):c.880C>T (p.Leu294=)

Gene: LAMC2 (laminin subunit gamma 2; plus strand). Cytogenetic location: 1q25.3.
Variant type: single nucleotide variant.
Coding change: c.880C>T on transcript NM_005562.3 (MANE Select); coding-DNA position 880, C replaced by T.
Protein change: p.Leu294=; no amino-acid change (leucine 294 retained).
Molecular consequence: synonymous variant.
Genome position (GRCh38, 1-based): chr1:183,223,251, C>T. VCF-style: chr1-183223251-C-T. GRCh37 (hg19) VCF-style: chr1-183192386-C-T.
Other names: c.880C>T, p.Leu294= (NM_018891.3).
Identifiers: ClinVar variation 290574 (VCV000290574.46), dbSNP rs144572936, ClinGen allele CA1282459.

ClinVar aggregate classification (germline): Benign/Likely benign. Review status: criteria provided, multiple submitters, no conflicts (2 of 4 stars). 6 submissions from 6 submitters: Benign (3); Likely benign (3). Last evaluated 2026-02-04.

Conditions:
Junctional epidermolysis bullosa. Identifiers: Orphanet 305, MedGen C0079301, MONDO:0017612.
Junctional epidermolysis bullosa gravis of Herlitz. Also called: Epidermolysis Bullosa Letalis; EPIDERMOLYSIS BULLOSA, JUNCTIONAL 1B, SEVERE; EPIDERMOLYSIS BULLOSA JUNCTIONALIS, HERLITZ TYPE; EPIDERMOLYSIS BULLOSA, JUNCTIONAL, HERLITZ-PEARSON TYPE; JEB-HERLITZ TYPE; Herlitz-type junctional epidermolysis bullosa. Identifiers: Orphanet 79404, MedGen C0079683, MONDO:0009182, OMIM 226700.

Allele frequency attached by ClinVar (database versions not stated): 1000 Genomes Project 0.00280; 1000 Genomes Project 30x 0.00281; gnomAD 0.00307 and 0.00319; TOPMed 0.00349; gnomAD exomes 0.00354 and 0.00391; ExAC 0.00394; ESP Exome Variant Server 0.00431.
gnomAD v4.1: 5,795 of 1,614,180 alleles (0.36%); highest among the groups gnomAD compares: Middle Eastern, 2%; 24 homozygotes.

Submissions (6):

Labcorp Genetics (formerly Invitae), Labcorp
Classification: Benign. Last evaluated: 2026-02-04. Review status: criteria provided, single submitter. Criteria: Invitae Variant Classification Sherloc (09022015). Collection method: clinical testing. Allele origin: germline.

CeGaT Center for Human Genetics Tuebingen
Classification: Likely benign. Last evaluated: 2026-02-01. Review status: criteria provided, single submitter. Criteria: CeGaT Center For Human Genetics Tuebingen Variant Classification Criteria Version 2. Collection method: clinical testing. Allele origin: germline. Affected: yes. Observed: 2 variant alleles.
Comment: LAMC2: BP4, BP7, BS2

Genome-Nilou Lab
Classification: Benign for Junctional epidermolysis bullosa gravis of Herlitz. Last evaluated: 2021-06-10. Review status: criteria provided, single submitter. Criteria: ACMG Guidelines, 2015. Collection method: clinical testing. Allele origin: germline. Affected: no.

Illumina Laboratory Services, Illumina
Classification: Likely benign for Junctional epidermolysis bullosa. Last evaluated: 2018-01-13. Review status: criteria provided, single submitter. Criteria: ICSL Variant Classification Criteria 13 December 2019. Collection method: clinical testing. Allele origin: germline.
Comment: This variant was observed in the ICSL laboratory as part of a predisposition screen in an ostensibly healthy population. It had not been previously curated by ICSL or reported in the Human Gene Mutation Database (HGMD: prior to June 1st, 2018), and was therefore a candidate for classification through an automated scoring system. Utilizing variant allele frequency, disease prevalence and penetrance estimates, and inheritance mode, an automated score was calculated to assess if this variant is too frequent to cause the disease. Based on the score and internal cut-off values, a variant classified as likely benign is not then subjected to further curation. The score for this variant resulted in a classification of likely benign for this disease.

Eurofins Ntd Llc (ga)
Classification: Benign. Last evaluated: 2016-08-24. Review status: criteria provided, single submitter. Criteria: EGL Classification Definitions 2015. Collection method: clinical testing. Allele origin: germline. Observed: 1 variant allele, 1 heterozygote.

Breakthrough Genomics
Classification: Likely benign. Review status: criteria provided, single submitter. Criteria: ACMG Guidelines, 2015. Collection method: not provided. Allele origin: germline. Inheritance: Autosomal recessive inheritance. Affected: yes.